The following is an entry in ClinVar:

ClinVar aggregate classification (germline): Uncertain significance. Review status: reviewed by expert panel (3 of 4 stars). 6 submissions from 6 submitters: Uncertain significance (1). 5 of the submissions do not count toward it. Last evaluated 2021-09-26.

Conditions:
Phenylketonuria (PKU). Also called: Phenylketonuria (PKU); Phenylketonurias; FOLLING DISEASE; OLIGOPHRENIA PHENYLPYRUVICA. Identifiers: Orphanet 716, MedGen C0031485, MONDO:0009861, OMIM 261600. Disease mechanism: loss of function.

Allele frequency attached by ClinVar (database versions not stated): TOPMed 0.00035; gnomAD exomes 0.00023 and 0.00049; ESP Exome Variant Server 0.00046; ExAC 0.00024; 1000 Genomes Project 0.00040; 1000 Genomes Project 30x 0.00047.
gnomAD v4.1: 747 of 1,613,640 alleles (0.046%); highest among the groups gnomAD compares: Non-Finnish European, 0.058%; no homozygotes.

Submissions (6):

ClinGen PAH Variant Curation Expert Panel
Classification: Uncertain significance for Phenylketonuria. Last evaluated: 2021-09-26. Review status: reviewed by expert panel. Criteria: ClinGen PAH ACMG Specifications v1. Collection method: curation. Allele origin: germline. Inheritance: Autosomal recessive inheritance.
Comment: The c.1161C>T (p.Tyr387=) variant in PAH has not been reported in the literature to our knowledge. It is a silent variant with no splice impact predicted. It is present at low frequencies in population databases (MAF 0.00024 in gnomAd and ExAc, 0 homozygotes) which is above our threshold for PM2 (<0.0002) but below our threshold for BS1 (>0.002). Therefore, it meets criteria to be classified as uncertain significance. PAH-specific ACMG/AMP criteria applied: BP7.

Labcorp Genetics (formerly Invitae), Labcorp
Classification: Likely benign for Phenylketonuria. Last evaluated: 2026-01-24. Review status: criteria provided, single submitter. Criteria: Invitae Variant Classification Sherloc (09022015). Collection method: clinical testing. Allele origin: germline. Not counted in ClinVar's aggregate classification.

Genome-Nilou Lab
Classification: Likely benign for Phenylketonuria. Last evaluated: 2021-07-22. Review status: criteria provided, single submitter. Criteria: ACMG Guidelines, 2015. Collection method: clinical testing. Allele origin: germline. Affected: no. Not counted in ClinVar's aggregate classification.

Quest Diagnostics Nichols Institute San Juan Capistrano
Classification: Likely benign. Last evaluated: 2021-02-16. Review status: criteria provided, single submitter. Criteria: Quest Diagnostics criteria. Collection method: clinical testing. Allele origin: unknown. Not counted in ClinVar's aggregate classification.

Women's Health and Genetics/Laboratory Corporation of America, LabCorp
Classification: Likely benign. Last evaluated: 2019-09-08. Review status: criteria provided, single submitter. Criteria: LabCorp Variant Classification Summary - May 2015. Collection method: clinical testing. Allele origin: germline. Not counted in ClinVar's aggregate classification.

Illumina Laboratory Services, Illumina
Classification: Uncertain significance for Phenylketonuria. Last evaluated: 2017-04-27. Review status: criteria provided, single submitter. Criteria: ICSL Variant Classification Criteria 13 December 2019. Collection method: clinical testing. Allele origin: germline. Not counted in ClinVar's aggregate classification.
Comment: This variant was observed as part of a predisposition screen in an ostensibly healthy population. A literature search was performed for the gene, cDNA change, and amino acid change (where applicable). Publications were found based on this search. However, the evidence from the literature, in combination with allele frequency data from public databases where available, was not sufficient to rule this variant in or out of causing disease. Therefore, this variant is classified as a variant of unknown significance.

Literature cited by the submitters: PubMed 23357515 (cited by Illumina Laboratory Services, Illumina).

NM_000277.3(PAH):c.1161C>T (p.Tyr387=)

Gene: PAH (phenylalanine hydroxylase; minus strand). Cytogenetic location: 12q23.2.
Variant type: single nucleotide variant.
Coding change: c.1161C>T on transcript NM_000277.3 (MANE Select); coding-DNA position 1161, C replaced by T.
Protein change: p.Tyr387=; no amino-acid change (tyrosine 387 retained).
Molecular consequence: synonymous variant.
Genome position (GRCh38, 1-based): chr12:102,843,684, G>A on the plus strand (C>T on the coding strand, the complement: PAH is on the minus strand). VCF-style: chr12-102843684-G-A. GRCh37 (hg19) VCF-style: chr12-103237462-G-A.
Other names: NM_000277.3(PAH):c.1161C>T; p.Tyr387=; c.1161C>T, p.Tyr387= (NM_001354304.2).
Identifiers: ClinVar variation 703089 (VCV000703089.21), dbSNP rs149595475, ClinGen allele CA6748733.
Genomic context (GRCh38, chr12:102,843,684, plus strand): 5'-CTCACCTTTGTCACCACCTCACCTTACTTTCTCCTTGGCATCATTAAAACTCTCTGCCAC[G>A]TAATAGAGGGGCTGGAACTCCGTGACAGTGTAATTTTGGATGGCTGTCTTCTCCAGCTCC-3'
Protein context (NP_000268.1, residues 377-397): YTVTEFQPLY[Tyr387=]VAESFNDAKE